The following is an entry in ClinVar:

ClinVar aggregate classification (germline): Likely pathogenic (1 of 4 stars; one submission).

Submission:

GeneDx
Classification: Likely pathogenic. Last evaluated: 2024-03-25. Review status: criteria provided, single submitter. Criteria: GeneDx Variant Classification Process June 2021. Collection method: clinical testing. Allele origin: germline. Affected: yes.
Comment: Canonical splice site variant predicted to result in a null allele in a gene for which loss of function is a known mechanism of disease; Not observed at significant frequency in large population cohorts (gnomAD); Has not been previously published as pathogenic or benign to our knowledge

NM_015015.3(KDM4B):c.432+1G>C

Gene: KDM4B (lysine demethylase 4B; plus strand). Cytogenetic location: 19p13.3.
Variant type: single nucleotide variant.
Coding change: c.432+1G>C on transcript NM_015015.3 (MANE Select); the canonical splice donor site of the intron after coding-DNA position 432, G replaced by C.
Molecular consequence: splice donor variant.
Genome position (GRCh38, 1-based): chr19:5,041,252, G>C. VCF-style: chr19-5041252-G-C. GRCh37 (hg19) VCF-style: chr19-5041263-G-C.
Other names: c.432+1G>C (NM_001370093.1, NM_001370094.1, NM_001411148.1).
Identifiers: ClinVar variation 3252680 (VCV003252680.1), dbSNP rs1432451428.